The following is an entry in ClinVar:

ClinVar aggregate classification (germline): Pathogenic (1 of 4 stars; one submission).

Submission:

Labcorp Genetics (formerly Invitae), Labcorp
Classification: Pathogenic. Last evaluated: 2023-04-14. Review status: criteria provided, single submitter. Criteria: Invitae Variant Classification Sherloc (09022015). Collection method: clinical testing. Allele origin: germline.
Comment: This sequence change creates a premature translational stop signal (p.Glu999Asnfs*13) in the PLCB4 gene. It is expected to result in an absent or disrupted protein product. Loss-of-function variants in PLCB4 are known to be pathogenic (PMID: 23913798, 27007857). This variant is present in population databases (rs758685931, gnomAD 0.01%). This variant has not been reported in the literature in individuals affected with PLCB4-related conditions. For these reasons, this variant has been classified as Pathogenic.

Literature cited by the submitters: PubMed 23913798; PubMed 27007857.

NM_001377142.1(PLCB4):c.3031_3032del (p.Glu1011fs)

Gene: PLCB4 (phospholipase C beta 4; plus strand). Cytogenetic location: 20p12.2.
Variant type: Deletion.
Coding change: c.3031_3032del on transcript NM_001377142.1 (MANE Select); coding-DNA positions 3031 to 3032, 2 bases deleted (GA; older notation c.3031_3032delGA).
Protein change: p.Glu1011fs; shifts the reading frame from glutamic acid 1011.
Molecular consequence: frameshift variant.
Genome position (GRCh38, 1-based): chr20:9,457,448-9,457,449, GA deleted; deleting any 2 consecutive bases within chr20:9,457,447-9,457,449 gives the same sequence; the c. name uses the placement nearest the transcript's 3' end. VCF-style (leftmost placement, unchanged base first): chr20-9457446-CAG-C. GRCh37 (hg19) VCF-style: chr20-9438093-CAG-C.
Other names: c.2995_2996del, p.Glu999fs (NM_001377135.1, NM_001377136.1, NM_182797.3 and 2 more transcripts); c.3031_3032del, p.Glu1011fs (NM_001377143.1, NM_001172646.2); short protein forms E1011fs, E999fs.
Identifiers: ClinVar variation 2875083 (VCV002875083.3), dbSNP rs758685931, ClinGen allele CA9761578.